The following is an entry in ClinVar:

ClinVar aggregate classification (germline): Uncertain significance (1 of 4 stars; one submission).

Conditions:
Surfactant metabolism dysfunction, pulmonary, 4 (SMDP4). Also called: CSF2RA DEFICIENCY; PAP DUE TO CSF2RA DEFICIENCY; PULMONARY ALVEOLAR PROTEINOSIS, CONGENITAL, 4. Identifiers: Orphanet 264675, MedGen C2677877, MONDO:0010424, OMIM 300770.

Allele frequency attached by ClinVar (database versions not stated): ExAC 0.00001; gnomAD 0.00001; gnomAD exomes 0.00001; TOPMed 0.00001.
gnomAD v4.1: 13 of 1,613,316 alleles (0.00081%); highest among the groups gnomAD compares: Non-Finnish European, 0.0011%; no homozygotes.

Submission:

Labcorp Genetics (formerly Invitae), Labcorp
Classification: Uncertain significance for Surfactant metabolism dysfunction, pulmonary, 4. Last evaluated: 2020-07-24. Review status: criteria provided, single submitter. Criteria: Invitae Variant Classification Sherloc (09022015). Collection method: clinical testing. Allele origin: germline.
Comment: In summary, the available evidence is currently insufficient to determine the role of this variant in disease. Therefore, it has been classified as a Variant of Uncertain Significance. Algorithms developed to predict the effect of missense changes on protein structure and function (SIFT, PolyPhen-2, Align-GVGD) all suggest that this variant is likely to be tolerated, but these predictions have not been confirmed by published functional studies and their clinical significance is uncertain. This variant has not been reported in the literature in individuals with CSF2RA-related conditions. This variant is present in population databases (no rsID available, ExAC 0.001%). This sequence change replaces glycine with alanine at codon 265 of the CSF2RA protein (p.Gly265Ala). The glycine residue is weakly conserved and there is a small physicochemical difference between glycine and alanine.

NM_172245.4(CSF2RA):c.794G>C (p.Gly265Ala)

Gene: CSF2RA (colony stimulating factor 2 receptor subunit alpha; plus strand). Cytogenetic location: Xp22.33.
Variant type: single nucleotide variant.
Coding change: c.794G>C on transcript NM_172245.4 (MANE Select); coding-DNA position 794, G replaced by C.
Protein change: p.Gly265Ala; replaces glycine 265 with alanine.
Molecular consequence: missense variant. On other transcripts: non-coding transcript variant (1), intron variant (2).
Genome position (GRCh38, 1-based): chrX:1,295,440, G>C. VCF-style: chrX-1295440-G-C. GRCh37 (hg19) VCF-style: chrX-1414333-G-C.
Other names: c.794G>C, p.Gly265Ala (NM_001161529.2, NM_001161530.2, NM_001161531.2 and 17 more transcripts); c.395G>C, p.Gly132Ala (NM_001161532.2); c.775G>C, p.Ala259Pro (NM_001379166.1); c.646+4931G>C (NM_172249.4); c.780+979G>C (NM_001379160.1); short protein forms A259P, G132A, G265A.
Identifiers: ClinVar variation 1057121 (VCV001057121.7), dbSNP rs775114336, ClinGen allele CA10331013.